The following continues an entry in ClinVar:

NM_000492.4(CFTR):c.3454G>C (p.Asp1152His)

ClinVar aggregate classification (germline): drug response. drug response (1).

Submissions 20 to 40 of 47:

Department of Human Genetics, Hannover Medical School
Classification: Pathogenic for Hereditary pancreatitis. Last evaluated: 2022-04-13. Review status: criteria provided, single submitter. Criteria: ACMG Guidelines, 2015. Collection method: clinical testing. Allele origin: germline. Inheritance: Autosomal recessive inheritance. Affected: yes. Not counted in ClinVar's aggregate classification.

Institute of Reproductive Genetics, University of Münster
Classification: Pathogenic for Obstructive azoospermia. Last evaluated: 2022-03-16. Review status: criteria provided, single submitter. Criteria: ACMG Guidelines, 2015. Collection method: clinical testing. Allele origin: germline. Affected: yes. Observed: 1 variant allele. Not counted in ClinVar's aggregate classification.

Baylor Genetics
Classification: Pathogenic for Cystic fibrosis. Last evaluated: 2021-10-26. Review status: criteria provided, single submitter. Criteria: ACMG Guidelines, 2015. Collection method: clinical testing. Allele origin: maternal. Affected: yes. Study: CSER-TexasKidsCanSeq. Not counted in ClinVar's aggregate classification.
Comment: This variant was determined to be pathogenic according to ACMG Guidelines, 2015 [PMID:25741868].

Genome Diagnostics Laboratory, The Hospital for Sick Children
Classification: Pathogenic for Cystic fibrosis. Last evaluated: 2021-08-23. Review status: criteria provided, single submitter. Criteria: ACMG Guidelines, 2015. Collection method: clinical testing. Allele origin: germline. Not counted in ClinVar's aggregate classification.

AiLife Diagnostics
Classification: Pathogenic. Last evaluated: 2021-08-04. Review status: criteria provided, single submitter. Criteria: ACMG Guidelines, 2015. Collection method: clinical testing. Allele origin: germline. Affected: yes. Observed: 1 variant allele. Not counted in ClinVar's aggregate classification.

Genome-Nilou Lab
Classification: Pathogenic for Cystic fibrosis. Last evaluated: 2021-07-22. Review status: criteria provided, single submitter. Criteria: ACMG Guidelines, 2015. Collection method: clinical testing. Allele origin: germline. Affected: no. Not counted in ClinVar's aggregate classification.

Myriad Genetics, Inc.
Classification: Pathogenic for Cystic fibrosis. Last evaluated: 2019-11-11. Review status: criteria provided, single submitter. Criteria: Myriad Women's Health Autosomal Recessive and X-Linked Classification Criteria (2019). Collection method: clinical testing. Allele origin: unknown. Not counted in ClinVar's aggregate classification.
Comment: NM_000492.3(CFTR):c.3454G>C(D1152H) is classified as pathogenic in the context of cystic fibrosis and is associated with a broad spectrum of disease, ranging from clinically asyptomatic to classic cystic fibrosis. Sources cited for classification include the following: PMID 9804160, 19843100, 18301294, 22156145 and 23974870. Classification of NM_000492.3(CFTR):c.3454G>C(D1152H) is based on the following criteria: This is a well-established pathogenic variant in the literature that has been observed more frequently in patients with clinical diagnoses than in healthy populations. Please note: this variant was assessed in the context of healthy population screening.

Johns Hopkins Genomics, Johns Hopkins University
Classification: Pathogenic for Cystic fibrosis. Last evaluated: 2019-07-09. Review status: criteria provided, single submitter. Criteria: ACMG Guidelines, 2015. Collection method: clinical testing. Allele origin: germline. Not counted in ClinVar's aggregate classification.

Mendelics
Classification: Pathogenic for Cystic fibrosis. Last evaluated: 2018-11-05. Review status: criteria provided, single submitter. Criteria: Mendelics Assertion Criteria 2017. Collection method: clinical testing. Allele origin: unknown. Affected: yes. Not counted in ClinVar's aggregate classification.

Illumina Laboratory Services, Illumina
Classification: Pathogenic for CFTR-Related Disorders. Last evaluated: 2018-08-22. Review status: criteria provided, single submitter. Criteria: ICSL Variant Classification Criteria 09 May 2019. Collection method: clinical testing. Allele origin: germline. Not counted in ClinVar's aggregate classification.
Comment: The CFTR c.3454G>C (p.Asp1152His) missense variant has been described in 12 studies in patients with CFTR-related disorders, including in at least 22 in a homozygous state and 179 in a compound heterozygous state (Chillon et al. 1995; Dayangac et al. 2004; Highsmith et al. 2005; Mussaffi et al. 2006; Augarten et al. 2008; Burgel et al. 2010; Peleg et al. 2011; Steiner et al. 2011; Tomaiuolo et al. 2011; Sosnay et al. 2013; LaRusch et al. 2014; Terlizzi et al. 2015). The p.Asp1152His variant, when in combination with another variant known to cause CFTR-related disorders, is associated with an extremely variable phenotype ranging from asymptomatic to cystic fibrosis. The variant is often associated with mild clinical expression, mild pulmonary disease and pancreatic sufficiency (Augarten et al. 2008; Burgel et al. 2010; La Rush et al. 2014). The p.Asp1152His variant was found in a heterozygous state in one of 2957 controls and is reported at a frequency of 0.002859 in the Ashkenazi Jewish population of the Genome Aggregation Database. Functional studies on the p.Asp1152His variant showed chloride transport activity is 57.4% of the wild type (Van Goor et al. 2014). La Rusch et al. (2014) report that the p.Asp1152His variant causes a narrowing of the channel diameter which would affect conductance properties. The p.Asp1152His variant was shown to exhibit normal chloride function in HEK293 cells with significantly reduced bicarbonate permeability and conductance (LaRusch et al. 2014). Vankeerberghen et al. (1998) demonstrated in Xenopus oocytes that the p.Asp1152His variant did not alter the permeability sequence of the CFTR channels but led to whole cell cAMP activated chloride currents that were significantly reduced compared to wild type indicating that the variant interfere with the proper gating of the chloride channels. Based on the collective evidence, the p.Asp1152His variant is classified as pathogenic for CFTR-related disorders. This variant was observed by ICSL as part of a predisposition screen in an ostensibly healthy population.

GeneDx
Classification: Pathogenic. Last evaluated: 2018-07-12. Review status: criteria provided, single submitter. Criteria: GeneDx Variant Classification (06012015). Collection method: clinical testing. Allele origin: germline. Affected: yes. Not counted in ClinVar's aggregate classification.
Comment: The D1152H pathogenic variant has been reported previously is association with cystic fibrosis and congenital bilateral absence of the vas deferens (Chillon et al., 1995; Burgel et al., 2010; Terlizzi et al., 2015). A retrospective case review revealed that the patients homozygous and compound heterozygous for the D1152H variant exhibited very mild clinical expression (Terlizzi et al., 2015). The D1152H variant is observed in 29/10,142 (0.3%) alleles from individuals of Ashkenazi Jewish background in large population cohorts, and no individuals were reported to be homozygous (Lek et al., 2016). The D1152H variant is a non-conservative amino acid substitution, which is likely to impact secondary protein structure as these residues differ in polarity, charge, size and/or other properties. In vitro functional studies indicated that the D1152H variant results in a protein whose chloride transport is approximately 57% that of wild-type (VanGoor et al., 2014; LaRusch et al., 2014). We interpret D1152H as a pathogenic variant.

Baylor Genetics
Classification: Pathogenic for Congenital bilateral aplasia of vas deferens from CFTR mutation. Last evaluated: 2018-02-13. Review status: criteria provided, single submitter. Criteria: ACMG Guidelines, 2015. Collection method: clinical testing. Allele origin: paternal. Affected: yes. Not counted in ClinVar's aggregate classification.
Comment: This variant was determined to be pathogenic according to ACMG Guidelines, 2015 [PMID:25741868]. [PMID 7739684, 26990548, 22020151, 18301294, 19843100, 18456578, 19212293, 22310382, 20021716, 24082139, 25033378, 25033378, 22975760, 11547256, 23951356, 12124706, 27171515, 22156145, 20460946, 17617039, 23974870, 21520337, 25087612, 25583415, 21679131, 23891399]

CFTR-France
Classification: Pathogenic for cystic fibrosis; CFTR-related disorders. Last evaluated: 2018-01-29. Review status: criteria provided, single submitter. Criteria: Claustres M et al. (Hum Mutat 2017). Collection method: curation. Allele origin: germline. Affected: yes and no. Not counted in ClinVar's aggregate classification.
Comment: when the variant is in trans with another CF-causing variation, can either result in CF or in a CFTR-RD

Clinical Genetics and Genomics, Karolinska University Hospital
Classification: Pathogenic. Last evaluated: 2017-10-02. Review status: criteria provided, single submitter. Criteria: ACMG Guidelines, 2015. Collection method: clinical testing. Allele origin: germline. Affected: yes. Observed: 1 variant allele. Not counted in ClinVar's aggregate classification.

HudsonAlpha Institute for Biotechnology
Classification: Pathogenic for Cystic fibrosis. Last evaluated: 2017-07-05. Review status: criteria provided, single submitter. Criteria: HA_assertions_20150911. Collection method: research. Allele origin: unknown, maternal. Observed: 3 variant alleles. Study: CSER-HudsonAlpha. Not counted in ClinVar's aggregate classification.

Eurofins Ntd Llc (ga)
Classification: Pathogenic. Last evaluated: 2017-05-22. Review status: criteria provided, single submitter. Criteria: EGL Classification Definitions 2015. Collection method: clinical testing. Allele origin: germline. Observed: 8 variant alleles, 8 heterozygotes. Not counted in ClinVar's aggregate classification.

Center for Pediatric Genomic Medicine, Children's Mercy Hospital and Clinics
Classification: Pathogenic. Last evaluated: 2016-10-28. Review status: criteria provided, single submitter. Criteria: ACMG Guidelines, 2015. Collection method: clinical testing. Allele origin: germline. Not counted in ClinVar's aggregate classification.

Baylor Genetics
Classification: Pathogenic for Congenital bilateral aplasia of vas deferens from CFTR mutation; Cystic fibrosis. Review status: criteria provided, single submitter. Criteria: ACMG Guidelines, 2015. Collection method: clinical testing. Allele origin: germline. Not counted in ClinVar's aggregate classification.

Clinical Genetics Service, Universitary Hospital 12 de Octubre
Classification: Pathogenic for Cystic fibrosis. Review status: criteria provided, single submitter. Criteria: ACMG Guidelines, 2015. Collection method: clinical testing. Allele origin: germline. Affected: yes. Not counted in ClinVar's aggregate classification.

Imagene.me medical diagnostic laboratory, IMAGENE.ME SA
Classification: Pathogenic for Cystic fibrosis. Review status: criteria provided, single submitter. Criteria: IMAGENE.ME Variant Classification SOP 2022. Collection method: clinical testing. Allele origin: germline. Affected: yes. Not counted in ClinVar's aggregate classification.
Comment: Classified according to the IMAGENE.ME variant classification SOP based on the ACMG guidelines as Pathogenic (P).

Genome Diagnostics Laboratory, The Hospital for Sick Children
Classification: Pathogenic for CFTR-related disorders. Last evaluated: 2021-08-23. Review status: no assertion criteria provided. Collection method: clinical testing. Allele origin: germline. Not counted in ClinVar's aggregate classification.